The following is an entry in ClinVar:

ClinVar aggregate classification (germline): Uncertain significance (1 of 4 stars; one submission).

Conditions:
Hereditary sensory and autonomic neuropathy type 6. Also called: HSAN VI; Neuropathy, hereditary sensory and autonomic, type VI. Identifiers: Orphanet 314381, MedGen C3539003, MONDO:0013839, OMIM 614653.
Epidermolysis bullosa simplex 3, localized or generalized intermediate, with BP230 deficiency (EBS3). Also called: Epidermolysis bullosa simplex due to BP230 deficiency; Epidermolysis bullosa simplex, autosomal recessive 2. Identifiers: Orphanet 412181, MedGen C3809470, MONDO:0014180, OMIM 615425.

Allele frequency attached by ClinVar (database versions not stated): TOPMed below 0.00001; gnomAD 0.00001.
gnomAD v4.1: 2 of 1,612,762 alleles (0.00012%); highest among the groups gnomAD compares: African/African-American, 0.0013%; no homozygotes.

Submission:

Labcorp Genetics (formerly Invitae), Labcorp
Classification: Uncertain significance for Epidermolysis bullosa simplex 3, localized or generalized intermediate, with BP230 deficiency; Hereditary sensory and autonomic neuropathy type 6. Last evaluated: 2022-08-10. Review status: criteria provided, single submitter. Criteria: Invitae Variant Classification Sherloc (09022015). Collection method: clinical testing. Allele origin: germline.
Comment: In summary, the available evidence is currently insufficient to determine the role of this variant in disease. Therefore, it has been classified as a Variant of Uncertain Significance. Variants that disrupt the consensus splice site are a relatively common cause of aberrant splicing (PMID: 17576681, 9536098). Algorithms developed to predict the effect of sequence changes on RNA splicing suggest that this variant is not likely to affect RNA splicing. ClinVar contains an entry for this variant (Variation ID: 1003560). This variant has not been reported in the literature in individuals affected with DST-related conditions. This variant is present in population databases (no rsID available, gnomAD 0.01%). This sequence change falls in intron 14 of the DST gene. It does not directly change the encoded amino acid sequence of the DST protein. It affects a nucleotide within the consensus splice site.

Literature cited by the submitters: PubMed 17576681; PubMed 9536098.

NM_001374736.1(DST):c.3805+6G>A

Gene: DST (dystonin; minus strand). Cytogenetic location: 6p12.1.
Variant type: single nucleotide variant.
Coding change: c.3805+6G>A on transcript NM_001374736.1 (MANE Select); 6 bases into the intron after coding-DNA position 3805, G replaced by A.
Molecular consequence: intron variant.
Genome position (GRCh38, 1-based): chr6:56,632,848, C>T on the plus strand (G>A on the coding strand, the complement: DST is on the minus strand). VCF-style: chr6-56632848-C-T. GRCh37 (hg19) VCF-style: chr6-56497646-C-T.
Other names: c.3706+6G>A (NM_001144769.5); c.3805+6G>A (NM_001374722.1); c.3832+6G>A (NM_001374734.1); c.3292+6G>A (NM_001144770.2); c.3172+6G>A (NM_001374730.1, NM_001386100.1, NM_183380.4 and 1 more transcripts); c.2194+6G>A (NM_015548.5, NM_001723.7).
Identifiers: ClinVar variation 1003560 (VCV001003560.7), dbSNP rs1474920653, ClinGen allele CA567638652.
Genomic context (GRCh38, chr6:56,632,848, plus strand): 5'-GAGAGCAAAAAATAGCCAGAACTAAACACCTATGGGGAAAAAAAGACAGGGATCCCCATG[C>T]TTTACCTCTTTCTGCAGATTTAAGAAGTTCTTGATAATACTGCTTACATACATTAACCTC-3'